The following is an entry in ClinVar:

NM_001080449.3(DNA2):c.940-306A>C

Gene: DNA2 (DNA replication helicase/nuclease 2; minus strand). Cytogenetic location: 10q21.3.
Variant type: single nucleotide variant.
Coding change: c.940-306A>C on transcript NM_001080449.3 (MANE Select); 306 bases into the intron before coding-DNA position 940, A replaced by C.
Molecular consequence: intron variant.
Genome position (GRCh38, 1-based): chr10:68,446,719, T>G on the plus strand (A>C on the coding strand, the complement: DNA2 is on the minus strand). VCF-style: chr10-68446719-T-G. GRCh37 (hg19) VCF-style: chr10-70206476-T-G.
Identifiers: ClinVar variation 673689 (VCV000673689.1), dbSNP rs10998174, ClinGen allele CA16393296.

ClinVar aggregate classification (germline): Benign (1 of 4 stars; one submission).

Allele frequency attached by ClinVar (database versions not stated): 1000 Genomes Project 0.12161; gnomAD 0.12920; 1000 Genomes Project 30x 0.13179; TOPMed 0.13962.
gnomAD v4.1: 19,748 of 152,018 alleles (13%); highest among the groups gnomAD compares: African/African-American, 35%; 2,705 homozygotes.

Submission:

GeneDx
Classification: Benign. Last evaluated: 2018-06-16. Review status: criteria provided, single submitter. Criteria: GeneDx Variant Classification (06012015). Collection method: clinical testing. Allele origin: germline. Affected: yes.
Comment: This variant is considered likely benign or benign based on one or more of the following criteria: it is a conservative change, it occurs at a poorly conserved position in the protein, it is predicted to be benign by multiple in silico algorithms, and/or has population frequency not consistent with disease.